The following is an entry in ClinVar:

ClinVar aggregate classification (germline): Uncertain significance. Review status: criteria provided, multiple submitters, no conflicts (2 of 4 stars). 2 submissions from 2 submitters: Uncertain significance (2). Last evaluated 2025-09-22.

Conditions:
Vitamin B2 deficiency. Identifiers: MedGen C0035528.

Allele frequency attached by ClinVar (database versions not stated): ExAC 0.00001; gnomAD exomes 0.00002; gnomAD 0.00003; TOPMed 0.00003; 1000 Genomes Project 30x 0.00016; 1000 Genomes Project 0.00020.
gnomAD v4.1: 33 of 1,614,210 alleles (0.002%); highest among the groups gnomAD compares: Non-Finnish European, 0.0026%; no homozygotes.

Submissions (2):

Labcorp Genetics (formerly Invitae), Labcorp
Classification: Uncertain significance for Vitamin B2 deficiency. Last evaluated: 2025-09-22. Review status: criteria provided, single submitter. Criteria: Invitae Variant Classification Sherloc (09022015). Collection method: clinical testing. Allele origin: germline.
Comment: This sequence change replaces glycine, which is neutral and non-polar, with arginine, which is basic and polar, at codon 29 of the SLC52A1 protein (p.Gly29Arg). This variant is present in population databases (rs199742635, gnomAD 0.004%). This variant has not been reported in the literature in individuals affected with SLC52A1-related conditions. ClinVar contains an entry for this variant (Variation ID: 2177970). Invitae Evidence Modeling of protein sequence and biophysical properties (such as structural, functional, and spatial information, amino acid conservation, physicochemical variation, residue mobility, and thermodynamic stability) indicates that this missense variant is expected to disrupt SLC52A1 protein function with a positive predictive value of 80%. In summary, the available evidence is currently insufficient to determine the role of this variant in disease. Therefore, it has been classified as a Variant of Uncertain Significance.

Ambry Genetics
Classification: Uncertain significance. Last evaluated: 2025-01-18. Review status: criteria provided, single submitter. Criteria: Ambry Variant Classification Scheme 2023. Collection method: clinical testing. Allele origin: germline.

NM_017986.4(SLC52A1):c.85G>A (p.Gly29Arg)

Gene: SLC52A1 (solute carrier family 52 member 1; minus strand). Cytogenetic location: 17p13.2.
Variant type: single nucleotide variant.
Coding change: c.85G>A on transcript NM_017986.4 (MANE Select); coding-DNA position 85, G replaced by A.
Protein change: p.Gly29Arg; replaces glycine 29 with arginine.
Molecular consequence: missense variant.
Genome position (GRCh38, 1-based): chr17:5,034,522, C>T on the plus strand (G>A on the coding strand, the complement: SLC52A1 is on the minus strand). VCF-style: chr17-5034522-C-T. GRCh37 (hg19) VCF-style: chr17-4937817-C-T.
Other names: c.85G>A, p.Gly29Arg (NM_001104577.2); c.85G>A (NM_001104577.1); short protein forms G29R.
Identifiers: ClinVar variation 2177970 (VCV002177970.5), dbSNP rs199742635, ClinGen allele CA8319898.